The following is an entry in ClinVar:

ClinVar aggregate classification (germline): Conflicting classifications of pathogenicity. Review status: criteria provided, conflicting classifications (1 of 4 stars). 11 submissions from 11 submitters: Uncertain significance (3); Benign (1); Likely benign (5). 2 of the submissions do not count toward it. Last evaluated 2026-06-22.

Conditions:
TTN-related disorder. Also called: TTN-related condition; TTN-related disease; TTN-related disorders.
Cardiovascular phenotype. Identifiers: MedGen CN230736.
Autosomal recessive limb-girdle muscular dystrophy type 2J (LGMDR10). Also called: Limb-girdle muscular dystrophy, type 2J; MUSCULAR DYSTROPHY, LIMB-GIRDLE, AUTOSOMAL RECESSIVE 10. Identifiers: Orphanet 140922, MedGen C1837342, MONDO:0012127, OMIM 608807.
Dilated cardiomyopathy 1G (CMD1G). Identifiers: Orphanet 154, MedGen C1858763, MONDO:0011400, OMIM 604145.
Cardiomyopathy (CMYO). Also called: Cardiomyopathies. Identifiers: Orphanet 167848, MedGen C0878544, MONDO:0004994, HP:0001638. Inheritance: Various modes of inheritance.

Allele frequency attached by ClinVar (database versions not stated): gnomAD exomes 0.00004 and 0.00013; ExAC 0.00018; gnomAD 0.00036; TOPMed 0.00039; ESP Exome Variant Server 0.00050; 1000 Genomes Project 30x 0.00078; 1000 Genomes Project 0.00080.
gnomAD v4.1: 125 of 1,612,842 alleles (0.0078%); highest among the groups gnomAD compares: African/African-American, 0.093%; no homozygotes.

Submissions (11):

PreventionGenetics, part of Exact Sciences
Classification: Uncertain significance for TTN-related condition. Last evaluated: 2026-06-22. Review status: criteria provided, single submitter. Criteria: ACMG Guidelines, 2015. Collection method: clinical testing. Allele origin: germline.
Comment: The TTN c.69904G>A variant is predicted to result in the amino acid substitution p.Val23302Ile. To our knowledge, this variant has not been reported in the literature. This variant is reported in 0.12% of alleles in individuals of African descent in gnomAD. Although we suspect that this variant may be benign, at this time, the clinical significance of this variant is uncertain due to the absence of conclusive functional and genetic evidence.

Labcorp Genetics (formerly Invitae), Labcorp
Classification: Likely benign for Dilated cardiomyopathy 1G; Autosomal recessive limb-girdle muscular dystrophy type 2J. Last evaluated: 2026-02-01. Review status: criteria provided, single submitter. Criteria: Invitae Variant Classification Sherloc (09022015). Collection method: clinical testing. Allele origin: germline.

Women's Health and Genetics/Laboratory Corporation of America, LabCorp
Classification: Likely benign. Last evaluated: 2025-11-10. Review status: criteria provided, single submitter. Criteria: LabCorp Variant Classification Summary - May 2015. Collection method: clinical testing. Allele origin: germline.
Comment: Variant summary: TTN c.62200G>A (p.Val20734Ile) results in a conservative amino acid change in the encoded protein sequence. Algorithms developed to predict the effect of missense changes on protein structure and function are either unavailable or do not agree on the potential impact of this missense change. The variant allele was found at a frequency of 0.00013 in 247296 control chromosomes, predominantly at a frequency of 0.0015 within the African or African-American subpopulation in the gnomAD database. The observed variant frequency within African or African-American control individuals in the gnomAD database exceeds the estimated maximal expected allele frequency for disease-causing variants in TTN. To our knowledge, no occurrence of c.62200G>A in individuals affected with TTN-related conditions and no experimental evidence demonstrating its impact on protein function have been reported. ClinVar contains an entry for this variant (Variation ID: 47279). Based on the evidence outlined above, the variant was classified as likely benign.

Blueprint Genetics
Classification: Likely benign. Last evaluated: 2024-11-26. Review status: criteria provided, single submitter. Criteria: ACMG Guidelines, 2015. Collection method: clinical testing. Allele origin: germline.

CHEO Genetics Diagnostic Laboratory, Children's Hospital of Eastern Ontario
Classification: Benign for Cardiomyopathy. Last evaluated: 2021-11-25. Review status: criteria provided, single submitter. Criteria: ACMG Guidelines, 2015. Collection method: clinical testing. Allele origin: germline.

GeneDx
Classification: Likely benign. Last evaluated: 2020-10-14. Review status: criteria provided, single submitter. Criteria: GeneDx Variant Classification Process June 2021. Collection method: clinical testing. Allele origin: germline. Affected: yes.

Ambry Genetics
Classification: Likely benign for Cardiovascular phenotype. Last evaluated: 2019-04-03. Review status: criteria provided, single submitter. Criteria: Ambry Autosomal Dominant and X-Linked criteria (3/2017). Collection method: clinical testing. Allele origin: germline. Observed: 1 variant allele.
Comment: In silico models in agreement (benign);Subpopulation frequency in support of benign classification

Eurofins Ntd Llc (ga)
Classification: Uncertain significance. Last evaluated: 2017-01-04. Review status: criteria provided, single submitter. Criteria: EGL Classification Definitions 2015. Collection method: clinical testing. Allele origin: germline. Observed: 1 variant allele, 1 heterozygote.

Laboratory for Molecular Medicine, Mass General Brigham Personalized Medicine
Classification: Uncertain significance. Last evaluated: 2016-04-29. Review status: criteria provided, single submitter. Criteria: LMM Criteria. Collection method: clinical testing. Allele origin: germline. Observed: 2 variant alleles.
Comment: Variant classified as Uncertain Significance - Favor Benign. This varian t has also been identified in 0.2% (16/9674) of African chromosomes by the Exome Aggregation Consortium (ExAC; dbSNP rs190421400 ). Valine (Val) at position 20734 is not conserved in mammals (chimp carries an isoleucine (Ile)), which raises the possibility that this change may be tolerate d. Computational prediction tools suggest that the p.Val20734Ile variant may not impact the protein, though this information is not predictive enough to rule ou t pathogenicity. In summary, while the clinical significance of the p.Val20734Il e variant is uncertain, its frequency suggests that it is more likely to be beni gn.

Clinical Genetics, Academic Medical Center
Classification: Likely benign. Review status: no assertion criteria provided. Collection method: clinical testing. Allele origin: germline. Affected: yes. Study: VKGL Data-share Consensus. Not counted in ClinVar's aggregate classification.

Genome Diagnostics Laboratory, University Medical Center Utrecht
Classification: Benign. Review status: no assertion criteria provided. Collection method: clinical testing. Allele origin: germline. Affected: yes. Study: VKGL Data-share Consensus. Not counted in ClinVar's aggregate classification.

NM_001267550.2(TTN):c.69904G>A (p.Val23302Ile)

Genes: TTN (titin; minus strand), TTN-AS1 (TTN antisense RNA 1; plus strand), LOC126806422 (BRD4-independent group 4 enhancer GRCh37_chr2:179440205-179441404; plus strand). Cytogenetic location: 2q31.2.
Variant type: single nucleotide variant.
Coding change: c.69904G>A on transcript NM_001267550.2 (MANE Select); coding-DNA position 69904, G replaced by A.
Protein change: p.Val23302Ile; replaces valine 23302 with isoleucine.
Molecular consequence: missense variant.
Genome position (GRCh38, 1-based): chr2:178,576,228, C>T on the plus strand (G>A on the coding strand, the complement: TTN is on the minus strand). VCF-style: chr2-178576228-C-T. GRCh37 (hg19) VCF-style: chr2-179440955-C-T.
Other names: c.64981G>A, p.Val21661Ile (NM_001256850.1); c.62200G>A, p.Val20734Ile (NM_133378.4); c.42709G>A, p.Val14237Ile (NM_003319.4); c.43084G>A, p.Val14362Ile (NM_133432.3); c.43285G>A, p.Val14429Ile (NM_133437.4); short protein forms V23302I, V20734I, V21661I, V14362I, V14429I, V14237I.
Identifiers: ClinVar variation 47279 (VCV000047279.30), dbSNP rs190421400, ClinGen allele CA140548.